The following is an entry in ClinVar:

NM_015426.5(POC1A):c.82A>G (p.Ser28Gly)

Gene: POC1A (POC1 centriolar protein A; minus strand). Cytogenetic location: 3p21.2.
Variant type: single nucleotide variant.
Coding change: c.82A>G on transcript NM_015426.5 (MANE Select); coding-DNA position 82, A replaced by G.
Protein change: p.Ser28Gly; replaces serine 28 with glycine.
Molecular consequence: missense variant. On other transcripts: 5 prime UTR variant (1).
Genome position (GRCh38, 1-based): chr3:52,151,037, T>C on the plus strand (A>G on the coding strand, the complement: POC1A is on the minus strand). VCF-style: chr3-52151037-T-C. GRCh37 (hg19) VCF-style: chr3-52185053-T-C.
Other names: c.82A>G, p.Ser28Gly (NM_001161580.2); c.-33A>G (NM_001161581.2); short protein forms S28G.
Identifiers: ClinVar variation 1029399 (VCV001029399.12), dbSNP rs141061033, ClinGen allele CA2429739.

ClinVar aggregate classification (germline): Conflicting classifications of pathogenicity. Review status: criteria provided, conflicting classifications (1 of 4 stars). 4 submissions from 4 submitters: Uncertain significance (3); Likely benign (1). Last evaluated 2026-01-04.

Conditions:
Short stature-onychodysplasia-facial dysmorphism-hypotrichosis syndrome. Also called: Short stature, onychodysplasia, facial dysmorphism, and hypotrichosis; SOFT SYNDROME. Identifiers: Orphanet 314394, MedGen C3542022, MONDO:0013894, OMIM 614813.
Inborn genetic diseases. Identifiers: MedGen C0950123, MeSH D030342.

Allele frequency attached by ClinVar (database versions not stated): gnomAD exomes 0.00005 and 0.00011; ExAC 0.00013; gnomAD 0.00021; ESP Exome Variant Server 0.00031; TOPMed 0.00046; 1000 Genomes Project 30x 0.00047; 1000 Genomes Project 0.00060.
gnomAD v4.1: 120 of 1,613,780 alleles (0.0074%); highest among the groups gnomAD compares: African/African-American, 0.11%; no homozygotes.

Submissions (4):

Labcorp Genetics (formerly Invitae), Labcorp
Classification: Likely benign. Last evaluated: 2026-01-04. Review status: criteria provided, single submitter. Criteria: Invitae Variant Classification Sherloc (09022015). Collection method: clinical testing. Allele origin: germline.

Blueprint Genetics
Classification: Uncertain significance. Last evaluated: 2024-09-02. Review status: criteria provided, single submitter. Criteria: ACMG Guidelines, 2015. Collection method: clinical testing. Allele origin: germline.

Ambry Genetics
Classification: Uncertain significance for Inborn genetic diseases. Last evaluated: 2024-08-28. Review status: criteria provided, single submitter. Criteria: Ambry Variant Classification Scheme 2023. Collection method: clinical testing. Allele origin: germline.

Baylor Genetics
Classification: Uncertain significance for Short stature-onychodysplasia-facial dysmorphism-hypotrichosis syndrome. Last evaluated: 2020-05-05. Review status: criteria provided, single submitter. Criteria: ACMG Guidelines, 2015. Collection method: clinical testing. Allele origin: unknown. Affected: yes.
Comment: This variant was determined to be of uncertain significance according to ACMG Guidelines, 2015 [PMID:25741868].